The following is an entry in ClinVar:

NM_005560.6(LAMA5):c.7580G>A (p.Arg2527His)

Gene: LAMA5 (laminin subunit alpha 5; minus strand). Cytogenetic location: 20q13.33.
Variant type: single nucleotide variant.
Coding change: c.7580G>A on transcript NM_005560.6 (MANE Select); coding-DNA position 7580, G replaced by A.
Protein change: p.Arg2527His; replaces arginine 2527 with histidine.
Molecular consequence: missense variant.
Genome position (GRCh38, 1-based): chr20:62,316,955, C>T on the plus strand (G>A on the coding strand, the complement: LAMA5 is on the minus strand). VCF-style: chr20-62316955-C-T. GRCh37 (hg19) VCF-style: chr20-60892011-C-T.
Other names: c.7580G>A (NM_005560.4, NM_005560.3); short protein forms R2527H.
Identifiers: ClinVar variation 1571269 (VCV001571269.35), dbSNP rs140461905, ClinGen allele CA9941155.

ClinVar aggregate classification (germline): Likely benign. Review status: criteria provided, multiple submitters, no conflicts (2 of 4 stars). 5 submissions from 5 submitters: Likely benign (4). 1 of the submissions does not count toward it. Last evaluated 2025-08-21.

Conditions:
LAMA5-related disorder. Also called: LAMA5-Related Disorders; LAMA5-related condition.
Inborn genetic diseases. Identifiers: MedGen C0950123, MeSH D030342.

Allele frequency attached by ClinVar (database versions not stated): 1000 Genomes Project 30x 0.00031; gnomAD 0.00033 and 0.00039; 1000 Genomes Project 0.00040; TOPMed 0.00061; ESP Exome Variant Server 0.00070.
gnomAD v4.1: 515 of 1,566,776 alleles (0.033%); highest among the groups gnomAD compares: East Asian, 0.24%; 4 homozygotes.

Submissions (5):

Labcorp Genetics (formerly Invitae), Labcorp
Classification: Likely benign. Last evaluated: 2025-08-21. Review status: criteria provided, single submitter. Criteria: Invitae Variant Classification Sherloc (09022015). Collection method: clinical testing. Allele origin: germline.

Ambry Genetics
Classification: Likely benign for Inborn genetic diseases. Last evaluated: 2024-02-22. Review status: criteria provided, single submitter. Criteria: Ambry Variant Classification Scheme 2023. Collection method: clinical testing. Allele origin: germline.

CeGaT Center for Human Genetics Tuebingen
Classification: Likely benign. Last evaluated: 2023-10-01. Review status: criteria provided, single submitter. Criteria: CeGaT Center For Human Genetics Tuebingen Variant Classification Criteria Version 2. Collection method: clinical testing. Allele origin: germline. Affected: yes. Observed: 1 variant allele.
Comment: LAMA5: BP4

Breakthrough Genomics
Classification: Likely benign. Review status: criteria provided, single submitter. Criteria: ACMG Guidelines, 2015. Collection method: not provided. Allele origin: germline. Inheritance: Autosomal recessive inheritance. Affected: yes.

PreventionGenetics, part of Exact Sciences
Classification: Likely benign for LAMA5-related condition. Last evaluated: 2021-08-04. Review status: no assertion criteria provided. Collection method: clinical testing. Allele origin: germline. Not counted in ClinVar's aggregate classification.
Comment: This variant is classified as likely benign based on ACMG/AMP sequence variant interpretation guidelines (Richards et al. 2015 PMID: 25741868, with internal and published modifications).